The following is an entry in ClinVar:

NM_002568.4(PABPC1):c.1246-9dup

Gene: PABPC1 (poly(A) binding protein cytoplasmic 1; minus strand). Cytogenetic location: 8q22.3.
Variant type: Duplication.
Coding change: c.1246-9dup on transcript NM_002568.4 (MANE Select); 9 bases into the intron before coding-DNA position 1246, one base duplicated (T; older notation c.1246-9dupT).
Molecular consequence: intron variant.
Genome position (GRCh38, 1-based): chr8:100,709,232, A duplicated on the plus strand (T on the coding strand, the reverse complement: PABPC1 is on the minus strand); the first of 7 consecutive A bases (chr8:100,709,232-100,709,238); duplicating any one gives the same sequence. VCF-style (leftmost placement, unchanged base first): chr8-100709231-G-GA. GRCh37 (hg19) VCF-style: chr8-101721459-G-GA.
Other names: c.1246-9dup (NM_001438282.1).
Identifiers: ClinVar variation 4996063 (VCV004996063.1).

ClinVar aggregate classification (germline): Likely benign (1 of 4 stars; one submission).

Conditions:
PABPC1-related condition.

Submission:

PreventionGenetics, part of Exact Sciences
Classification: Likely benign for PABPC1-related condition. Last evaluated: 2025-02-03. Review status: criteria provided, single submitter. Criteria: ACMG Guidelines, 2015. Collection method: clinical testing. Allele origin: germline.
Comment: This variant is classified as likely benign based on ACMG/AMP sequence variant interpretation guidelines (Richards et al. 2015 PMID: 25741868, with internal and published modifications).